The following is an entry in ClinVar:

ClinVar aggregate classification (germline): Uncertain significance (1 of 4 stars; one submission).

Conditions:
Weill-Marchesani syndrome. Also called: WM Syndrome; Mesodermal dysmorphodystrophy congenital. Identifiers: Orphanet 3449, MedGen C0265313, MONDO:0018096.

gnomAD v4.1: 3 of 1,603,548 alleles (0.00019%); highest among the groups gnomAD compares: Non-Finnish European, 0.00026%; no homozygotes.

Submission:

Clinical Genomics Laboratory, Washington University in St. Louis
Classification: Uncertain significance for Weill-Marchesani syndrome. Last evaluated: 2025-03-18. Review status: criteria provided, single submitter. Criteria: ACMG Guidelines, 2015. Collection method: clinical testing. Allele origin: germline.
Comment: The FBN3 c.7220A>G (p.Asp2407Gly) variant, to our knowledge, has not been reported in the medical literature and is absent from the general population (gnomAD v.2.1.1), indicating it is not a common variant. This variant occurs in one of the highly conserved cbEGF domains and computational predictors indicate that the variant is damaging, evidence that correlates with impact to FBN3 function. Due to limited information, the clinical significance of this variant is uncertain.

NM_032447.5(FBN3):c.7220A>G (p.Asp2407Gly)

Gene: FBN3 (fibrillin 3; minus strand). Cytogenetic location: 19p13.2.
Variant type: single nucleotide variant.
Coding change: c.7220A>G on transcript NM_032447.5 (MANE Select); coding-DNA position 7220, A replaced by G.
Protein change: p.Asp2407Gly; replaces aspartic acid 2407 with glycine.
Molecular consequence: missense variant.
Genome position (GRCh38, 1-based): chr19:8,081,474, T>C on the plus strand (A>G on the coding strand, the complement: FBN3 is on the minus strand). VCF-style: chr19-8081474-T-C. GRCh37 (hg19) VCF-style: chr19-8146358-T-C.
Other names: c.7220A>G, p.Asp2407Gly (NM_001321431.2); short protein forms D2407G.
Identifiers: ClinVar variation 4279724 (VCV004279724.1).